The following is an entry in ClinVar:

ClinVar aggregate classification (germline): Uncertain significance (1 of 4 stars; one submission).

Conditions:
Ehlers-Danlos syndrome, classic type (cEDS). Identifiers: Orphanet 287, MedGen C4225429, MONDO:0007522.

Submission:

Labcorp Genetics (formerly Invitae), Labcorp
Classification: Uncertain significance for Ehlers-Danlos syndrome, type 1. Last evaluated: 2018-10-17. Review status: criteria provided, single submitter. Criteria: Invitae Variant Classification Sherloc (09022015). Collection method: clinical testing. Allele origin: germline.
Comment: This variant results in a copy number gain of the genomic region encompassing the full coding sequence of the COL5A1 gene. The boundaries of this event are unknown as they extend beyond the assayed region for this gene and therefore may encompass additional genes. As the precise location of this event is unknown, it may be in tandem or it may be located elsewhere in the genome. This variant has not been reported in the literature in individuals with COL5A1-related disease. In summary, the available evidence is currently insufficient to determine the role of this variant in disease. Therefore, it has been classified as a Variant of Uncertain Significance.

NC_000009.11:g.(?_134379574)_(138678377_?)dup

Genes: ABO (ABO, alpha 1-3-N-acetylgalactosaminyltransferase and alpha 1-3-galactosyltransferase; minus strand), ADAMTS13 (ADAM metallopeptidase with thrombospondin type 1 motif 13; plus strand), LINC02907 (long intergenic non-protein coding RNA 2907; plus strand), MED22 (mediator complex subunit 22; minus strand), CFAP77 (cilia and flagella associated protein 77; plus strand) and 52 more. Cytogenetic location: 9q34.13-34.3.
Variant type: Duplication.
Identifiers: ClinVar variation 652388 (VCV000652388.3).